The following is an entry in ClinVar:

ClinVar aggregate classification (germline): Likely benign (1 of 4 stars; one submission).

Conditions:
Hereditary cancer-predisposing syndrome. Also called: Tumor predisposition; Hereditary Cancer Syndrome; Neoplastic Syndromes, Hereditary; Hereditary neoplastic syndrome. Identifiers: Orphanet 140162, MedGen C0027672, MeSH D009386, MONDO:0015356.

Submission:

Molecular Diagnostics Laboratory, Catalan Institute of Oncology
Classification: Likely benign for Hereditary cancer-predisposing syndrome. Last evaluated: 2025-02-06. Review status: criteria provided, single submitter. Criteria: ACMG Guidelines, 2015. Collection method: clinical testing. Allele origin: germline.
Comment: PM2_Supporting, BP4, BP7 c.447C>G located in exon 2 of the VHL gene, is predicted to result in no amino acid change, p.(Ala149=)(BP7). It is not present in the population database gnomAD v2.1.1, non-cancer dataset (PM2_supporting). The SpliceAI algorithm predicts no significant impact on splicing (BP4). To our knowledge, neither clinical data nor functional studies have been reported for this variant. The variant has not been identified neither in the ClinVar nor LOVD databases. Based on currently available information, the variant c.447C>G is classified as a likely benign variant according to ACMG guidelines.

NM_000551.4(VHL):c.447C>G (p.Ala149=)

Genes: VHL (von Hippel-Lindau tumor suppressor; plus strand), LOC107303340 (3p25 von Hippel-Lindau tumor suppressor, E3 ubiquitin protein ligase Alu-mediated recombination region; plus strand). Cytogenetic location: 3p25.3.
Variant type: single nucleotide variant.
Coding change: c.447C>G on transcript NM_000551.4 (MANE Select); coding-DNA position 447, C replaced by G.
Protein change: p.Ala149=; no amino-acid change (alanine 149 retained).
Molecular consequence: synonymous variant. On other transcripts: non-coding transcript variant (1), intron variant (2).
Genome position (GRCh38, 1-based): chr3:10,146,620, C>G. VCF-style: chr3-10146620-C-G. GRCh37 (hg19) VCF-style: chr3-10188304-C-G.
Other names: c.*18-3167C>G (NM_001354723.2); c.341-3167C>G (NM_198156.3).
Identifiers: ClinVar variation 3774441 (VCV003774441.1).